The following is an entry in ClinVar:

NM_002691.4(POLD1):c.639C>T (p.Thr213=)

Gene: POLD1 (DNA polymerase delta 1, catalytic subunit; plus strand). Cytogenetic location: 19q13.33.
Variant type: single nucleotide variant.
Coding change: c.639C>T on transcript NM_002691.4 (MANE Select); coding-DNA position 639, C replaced by T.
Protein change: p.Thr213=; no amino-acid change (threonine 213 retained).
Molecular consequence: synonymous variant. On other transcripts: non-coding transcript variant (1).
Genome position (GRCh38, 1-based): chr19:50,402,254, C>T. VCF-style: chr19-50402254-C-T. GRCh37 (hg19) VCF-style: chr19-50905511-C-T.
Other names: c.639C>T, p.Thr213= (NM_001256849.1, NM_001308632.1).
Identifiers: ClinVar variation 381364 (VCV000381364.53), dbSNP rs139949679, ClinGen allele CA9595846.

ClinVar aggregate classification (germline): Benign/Likely benign. Review status: criteria provided, multiple submitters, no conflicts (2 of 4 stars). 7 submissions from 7 submitters: Benign (2); Likely benign (5). Last evaluated 2026-01-24.

Conditions:
POLD1-related polyposis and colorectal cancer syndrome (CRCS10). Also called: Colorectal cancer 10; Colorectal cancer, susceptibility to, 10; COLORECTAL CANCER, SUSCEPTIBILITY TO, ON CHROMOSOME 19q. Identifiers: Orphanet 220460, MedGen C2675481, MONDO:0012953, OMIM 612591.
Hereditary cancer-predisposing syndrome. Also called: Neoplastic Syndromes, Hereditary; Hereditary neoplastic syndrome; Tumor predisposition; Hereditary Cancer Syndrome. Identifiers: Orphanet 140162, MedGen C0027672, MeSH D009386, MONDO:0015356.

Allele frequency attached by ClinVar (database versions not stated): TOPMed 0.00003; gnomAD 0.00004 and 0.00005; gnomAD exomes 0.00004; ExAC 0.00006; ESP Exome Variant Server 0.00008.
gnomAD v4.1: 78 of 1,600,546 alleles (0.0049%); highest among the groups gnomAD compares: Non-Finnish European, 0.0057%; no homozygotes.

Submissions (7):

Labcorp Genetics (formerly Invitae), Labcorp
Classification: Likely benign for POLD1-related polyposis and colorectal cancer syndrome. Last evaluated: 2026-01-24. Review status: criteria provided, single submitter. Criteria: Invitae Variant Classification Sherloc (09022015). Collection method: clinical testing. Allele origin: germline.

Center for Genomic Medicine, Rigshospitalet, Copenhagen University Hospital
Classification: Likely benign. Last evaluated: 2025-12-29. Review status: criteria provided, single submitter. Criteria: ACMG Guidelines, 2015. Collection method: clinical testing. Allele origin: germline.

CeGaT Center for Human Genetics Tuebingen
Classification: Likely benign. Last evaluated: 2023-05-01. Review status: criteria provided, single submitter. Criteria: CeGaT Center For Human Genetics Tuebingen Variant Classification Criteria Version 2. Collection method: clinical testing. Allele origin: germline. Affected: yes. Observed: 1 variant allele.
Comment: POLD1: BP4, BP7

Sema4
Classification: Benign for Hereditary cancer-predisposing syndrome. Last evaluated: 2021-04-19. Review status: criteria provided, single submitter. Criteria: Sema4 Curation Guidelines. Collection method: curation. Allele origin: germline.

Quest Diagnostics Nichols Institute San Juan Capistrano
Classification: Benign. Last evaluated: 2020-04-06. Review status: criteria provided, single submitter. Criteria: Quest Diagnostics criteria. Collection method: clinical testing. Allele origin: unknown.

GeneDx
Classification: Likely benign. Last evaluated: 2018-01-12. Review status: criteria provided, single submitter. Criteria: GeneDx Variant Classification (06012015). Collection method: clinical testing. Allele origin: germline. Affected: yes.
Comment: This variant is considered likely benign or benign based on one or more of the following criteria: it is a conservative change, it occurs at a poorly conserved position in the protein, it is predicted to be benign by multiple in silico algorithms, and/or has population frequency not consistent with disease.

Ambry Genetics
Classification: Likely benign for Hereditary cancer-predisposing syndrome. Last evaluated: 2015-12-16. Review status: criteria provided, single submitter. Criteria: Ambry Variant Classification Scheme 2023. Collection method: clinical testing. Allele origin: germline.